The following is an entry in ClinVar:

ClinVar aggregate classification (germline): Likely pathogenic (1 of 4 stars; one submission).

Submission:

Dasa
Classification: Likely pathogenic. Last evaluated: 2025-04-17. Review status: criteria provided, single submitter. Criteria: DASA Assertion Criteria. Collection method: clinical testing. Allele origin: germline.
Comment: NM_001273.5(CHD4):c.1688T>G (p.Leu563Arg) is a missense variant that results in the substitution of leucine with arginine. This variant is absent from population databases. Computational evidence supports a deleterious effect. Based on the currently available evidence, this variant is classified as likely pathogenic.

NM_001273.5(CHD4):c.1688T>G (p.Leu563Arg)

Gene: CHD4 (chromodomain helicase DNA binding protein 4; minus strand). Cytogenetic location: 12p13.31.
Variant type: single nucleotide variant.
Coding change: c.1688T>G on transcript NM_001273.5 (MANE Select); coding-DNA position 1688, T replaced by G.
Protein change: p.Leu563Arg; replaces leucine 563 with arginine.
Molecular consequence: missense variant.
Genome position (GRCh38, 1-based): chr12:6,598,098, A>C on the plus strand (T>G on the coding strand, the complement: CHD4 is on the minus strand). VCF-style: chr12-6598098-A-C. GRCh37 (hg19) VCF-style: chr12-6707264-A-C.
Other names: c.1667T>G, p.Leu556Arg (NM_001297553.2); c.1649T>G, p.Leu550Arg (NM_001363606.2); short protein forms L550R, L556R, L563R.
Identifiers: ClinVar variation 4883367 (VCV004883367.2).